The following is an entry in ClinVar:

ClinVar aggregate classification (germline): Likely pathogenic (1 of 4 stars; one submission).

Conditions:
Marfan Syndrome/Loeys-Dietz Syndrome/Familial Thoracic Aortic Aneurysms and Dissections. Identifiers: MedGen CN229799.

Submission:

Women's Health and Genetics/Laboratory Corporation of America, LabCorp
Classification: Likely pathogenic for Marfan Syndrome/Loeys-Dietz Syndrome/Familial Thoracic Aortic Aneurysms and Dissections. Last evaluated: 2022-10-24. Review status: criteria provided, single submitter. Criteria: LabCorp Variant Classification Summary - May 2015. Collection method: clinical testing. Allele origin: germline.
Comment: Variant summary: FBN1 c.6824_6842del19 (p.Ile2275SerfsX10) results in a premature termination codon, predicted to cause a truncation of the encoded protein or absence of the protein due to nonsense mediated decay, which are commonly known mechanisms for disease. Truncations downstream of this position have been classified as pathogenic by our laboratory and associated with Marfan Syndrome in HGMD. The variant was absent in 251332 control chromosomes. To our knowledge, no occurrence of c.6824_6842del19 in individuals affected with Marfan Syndrome and no experimental evidence demonstrating its impact on protein function have been reported. No clinical diagnostic laboratories have submitted clinical-significance assessments for this variant to ClinVar after 2014. Based on the evidence outlined above, the variant was classified as likely pathogenic.

NM_000138.5(FBN1):c.6824_6842del (p.Ile2275fs)

Gene: FBN1 (fibrillin 1; minus strand). Cytogenetic location: 15q21.1.
Variant type: Deletion.
Coding change: c.6824_6842del on transcript NM_000138.5 (MANE Select); coding-DNA positions 6824 to 6842, 19 bases deleted (TCTGTGGACCCGGGTATCA).
Protein change: p.Ile2275fs; shifts the reading frame from isoleucine 2275.
Molecular consequence: frameshift variant.
Genome position (GRCh38, 1-based): chr15:48,430,700-48,430,718, TGATACCCGGGTCCACAGA deleted on the plus strand (TCTGTGGACCCGGGTATCA on the coding strand, the reverse complement: FBN1 is on the minus strand); deleting any 19 consecutive bases within chr15:48,430,700-48,430,720 gives the same sequence; the c. name uses the placement nearest the transcript's 3' end. VCF-style (leftmost placement, unchanged base first): chr15-48430699-CTGATACCCGGGTCCACAGA-C. GRCh37 (hg19) VCF-style: chr15-48722896-CTGATACCCGGGTCCACAGA-C.
Other names: c.6822_6840del19, p.Ile2275Serfs (NM_001406716.1); c.6824_6842del19 (NM_000138.4); short protein forms I2275fs.
Identifiers: ClinVar variation 1723376 (VCV001723376.1), dbSNP rs2505419880, ClinGen allele CA2580089697.